The following is an entry in ClinVar:

NM_152703.5(SAMD9L):c.2158G>A (p.Asp720Asn)

Gene: SAMD9L (sterile alpha motif domain containing 9 like; minus strand). Cytogenetic location: 7q21.2.
Variant type: single nucleotide variant.
Coding change: c.2158G>A on transcript NM_152703.5 (MANE Select); coding-DNA position 2158, G replaced by A.
Protein change: p.Asp720Asn; replaces aspartic acid 720 with asparagine.
Molecular consequence: missense variant.
Genome position (GRCh38, 1-based): chr7:93,133,814, C>T on the plus strand (G>A on the coding strand, the complement: SAMD9L is on the minus strand). VCF-style: chr7-93133814-C-T. GRCh37 (hg19) VCF-style: chr7-92763127-C-T.
Other names: c.2158G>A, p.Asp720Asn (NM_001303496.3, NM_001303497.3, NM_001303498.3 and 5 more transcripts); short protein forms D720N.
Identifiers: ClinVar variation 4159365 (VCV004159365.1).
Genomic context (GRCh38, chr7:93,133,814, plus strand): 5'-AAAGATTGATGATTTTTGCAAATATTGGTTTAGGAGACTCTGCCCAGCAGTGTATTAAAT[C>T]TTTAAGCTTTTCATAACTGTCCCTTTTAACAAAATCTGAAGAATAGTTTTCAGAAGAAAA-3'
Protein context (NP_689916.2, residues 710-730): VKRDSYEKLK[Asp720Asn]LIHCWAESPK

ClinVar aggregate classification (germline): Uncertain significance (1 of 4 stars; one submission).

Conditions:
Inborn genetic diseases. Identifiers: MedGen C0950123, MeSH D030342.

gnomAD v4.1: 2 of 1,613,478 alleles (0.00012%); highest among the groups gnomAD compares: Middle Eastern, 0.016%; no homozygotes.

Submission:

Ambry Genetics
Classification: Uncertain significance for Inborn genetic diseases. Last evaluated: 2025-07-29. Review status: criteria provided, single submitter. Criteria: Ambry Variant Classification Scheme 2023. Collection method: clinical testing. Allele origin: germline.
Comment: The p.D720N variant (also known as c.2158G>A), located in coding exon 1 of the SAMD9L gene, results from a G to A substitution at nucleotide position 2158. The aspartic acid at codon 720 is replaced by asparagine, an amino acid with highly similar properties. This amino acid position is conserved. In addition, this alteration is predicted to be tolerated by in silico analysis. Based on the available evidence, the clinical significance of this variant remains unclear.